The following is an entry in ClinVar:

NM_017575.5(SMG6):c.1753_1765dup (p.Asp589delinsAlaProGlyGlyTer)

Gene: SMG6 (SMG6 nonsense mediated mRNA decay factor; minus strand). Cytogenetic location: 17p13.3.
Variant type: Duplication.
Coding change: c.1753_1765dup on transcript NM_017575.5 (MANE Select); coding-DNA positions 1753 to 1765, 13 bases duplicated (CTCCGGGTGGCTG).
Protein change: p.Asp589delinsAlaProGlyGlyTer.
Molecular consequence: nonsense.
Genome position (GRCh38, 1-based): chr17:2,298,988-2,299,000, CAGCCACCCGGAG duplicated on the plus strand (CTCCGGGTGGCTG on the coding strand, the reverse complement: SMG6 is on the minus strand). VCF-style (leftmost placement, unchanged base first): chr17-2298987-T-TCAGCCACCCGGAG. GRCh37 (hg19) VCF-style: chr17-2202281-T-TCAGCCACCCGGAG.
Other names: NM_017575.5:c.1753_1765dup.
Identifiers: ClinVar variation 3385350 (VCV003385350.1).
Genomic context (GRCh38, chr17:2,298,987, plus strand): 5'-AGGCCCTCCGGACTGATGCGGTCCCTGGAGAGCAGGTTGCTGAGCTGCAGTTCCTGGTTG[T>TCAGCCACCCGGAG]CAGCCACCCGGAGAAGCCTGTGCAGCTCCTGTTGCTGCAGGTTCCTCATGTGCTGCTCTA-3'

ClinVar aggregate classification (germline): Uncertain significance (1 of 4 stars; one submission).

Conditions:
Corpus callosum agenesis-abnormal genitalia syndrome. Also called: ACC WITH ABNORMAL GENITALIA; PROUD SYNDROME. Identifiers: Orphanet 2508, MedGen C0796124, MONDO:0010224, OMIM 300004.

Submission:

Broad Center for Mendelian Genomics, Broad Institute of MIT and Harvard
Classification: Uncertain significance for Corpus callosum agenesis-abnormal genitalia syndrome. Last evaluated: 2024-12-10. Review status: criteria provided, single submitter. Criteria: ACMG Guidelines, 2015. Collection method: curation. Allele origin: germline. Inheritance: Autosomal recessive inheritance. Study: GREGoR Consortium.
Comment: While this gene is still lacking sufficient evidence to establish a gene-disease relationship, we believe this is a possible novel gene candidate for corpus callosum agenesis-abnormal genitalia syndrome. Given the limited information about this gene-disease relationship, the significance of the p.Asp589AlafsTer5 variant is uncertain. If you have any additional information about functional evidence or other individuals with this phenotype that also have variants in SMG6 we encourage you to reach out to us.